The following is an entry in ClinVar:

NM_000018.4(ACADVL):c.1630_1645del (p.Ala544fs)

Gene: ACADVL (acyl-CoA dehydrogenase very long chain; plus strand). Cytogenetic location: 17p13.1.
Variant type: Deletion.
Coding change: c.1630_1645del on transcript NM_000018.4 (MANE Select); coding-DNA positions 1630 to 1645, 16 bases deleted (GCCACTGTGGTGGAGG).
Protein change: p.Ala544fs; shifts the reading frame from alanine 544.
Molecular consequence: frameshift variant.
Genome position (GRCh38, 1-based): chr17:7,224,504-7,224,519, GCCACTGTGGTGGAGG deleted. VCF-style (leftmost placement, unchanged base first): chr17-7224503-TGCCACTGTGGTGGAGG-T. GRCh37 (hg19) VCF-style: chr17-7127822-TGCCACTGTGGTGGAGG-T.
Other names: NM_000018.4(ACADVL):c.1630_1645del; p.Ala544fs; c.1630_1645delGCCACTGTGGTGGAGG (NM_000018.2, NM_000018.3); c.1564_1579del, p.Ala522fs (NM_001033859.3); c.1699_1714del, p.Ala567fs (NM_001270447.2); c.1402_1417del, p.Ala468fs (NM_001270448.2); short protein forms A567fs, A468fs, A522fs, A544fs.
Identifiers: ClinVar variation 429730 (VCV000429730.17), dbSNP rs1131691553, ClinGen allele CA624860771.

ClinVar aggregate classification (germline): Likely pathogenic. Review status: reviewed by expert panel (3 of 4 stars). 6 submissions from 6 submitters: Likely pathogenic (1). 5 of the submissions do not count toward it. Last evaluated 2022-12-15.

Conditions:
Very long chain acyl-CoA dehydrogenase deficiency (ACADVLD). Also called: Very Long-Chain Acyl-Coenzyme A Dehydrogenase Deficiency; VLCAD Deficiency. Identifiers: Orphanet 26793, MedGen C3887523, MONDO:0008723, OMIM 201475.

Allele frequency attached by ClinVar (database versions not stated): gnomAD exomes below 0.00001.

Submissions (6):

ClinGen ACADVL Variant Curation Expert Panel, ClinGen
Classification: Likely pathogenic for Very long chain acyl-CoA dehydrogenase deficiency. Last evaluated: 2022-12-15. Review status: reviewed by expert panel. Criteria: clingen acadvl acmg specifications v1. Collection method: curation. Allele origin: germline. Inheritance: Autosomal recessive inheritance.
Comment: The c.1630_1645del (p.Ala544Profs*3) variant in ACADVL is a frameshift predicted to cause a premature stop codon in biologically relevant exon 17/20 leading to nonsense mediated decay in a gene in which loss-of-function is an established disease mechanism (PVS1: PMIDs 9973285, 11590124). The highest population minor allele frequency in gnomAD v2.1.1 is 0.00003 in the South Asian population, which is lower than the ClinGen ACADVL Variant Curation Expert Panel threshold (<0.001) for PM2_Supporting (PM2_Supporting). To our knowledge, this variant has not been reported in the literature in any individuals with VLCADD. The ACADVL Variant Curation Expert Panel VCEP classified the variant as likely pathogenic based on PVS1+PM2_supporting.

Labcorp Genetics (formerly Invitae), Labcorp
Classification: Pathogenic for Very long chain acyl-CoA dehydrogenase deficiency. Last evaluated: 2026-01-28. Review status: criteria provided, single submitter. Criteria: Invitae Variant Classification Sherloc (09022015). Collection method: clinical testing. Allele origin: germline. Not counted in ClinVar's aggregate classification.
Comment: This sequence change creates a premature translational stop signal (p.Ala544Profs*3) in the ACADVL gene. It is expected to result in an absent or disrupted protein product. Loss-of-function variants in ACADVL are known to be pathogenic (PMID: 9973285, 11590124). This variant is present in population databases (no rsID available, gnomAD 0.003%). This variant has not been reported in the literature in individuals affected with ACADVL-related conditions. ClinVar contains an entry for this variant (Variation ID: 429730). For these reasons, this variant has been classified as Pathogenic.

Natera, Inc.
Classification: Likely pathogenic for Very long chain acyl-CoA dehydrogenase deficiency. Last evaluated: 2025-09-15. Review status: criteria provided, single submitter. Criteria: Natera Variant Classification Schema (03/2026). Collection method: clinical testing. Allele origin: germline. Not counted in ClinVar's aggregate classification.
Comment: The c.1630_1645delGCCACTGTGGTGGAGG variant in ACADVL is a frameshift variant predicted to shift the reading frame beginning at codon 544 and leads to a stop codon 3 codons downstream. This variant is expected to result in nonsense mediated decay, truncation, or a dysfunctional protein product. This variant is rare in the general population with a frequency below the threshold expected for the associated phenotype(s). Given the available evidence, this variant is classified as Likely Pathogenic.

GeneDx
Classification: Pathogenic. Last evaluated: 2024-12-23. Review status: criteria provided, single submitter. Criteria: GeneDx Variant Classification Process June 2021. Collection method: clinical testing. Allele origin: germline. Affected: yes. Not counted in ClinVar's aggregate classification.
Comment: Frameshift variant predicted to result in protein truncation or nonsense mediated decay in a gene for which loss-of-function is a known mechanism of disease; Not observed at a significant frequency in large population cohorts (gnomAD); Identified in an individual who underwent carrier screening (PMID: 29760218); This variant is associated with the following publications: (PMID: 29760218)

Baylor Genetics
Classification: Likely pathogenic for Very long chain acyl-CoA dehydrogenase deficiency. Last evaluated: 2024-03-20. Review status: criteria provided, single submitter. Criteria: ACMG Guidelines, 2015. Collection method: clinical testing. Allele origin: unknown. Not counted in ClinVar's aggregate classification.

Revvity Omics, Revvity
Classification: Likely pathogenic for Very long chain acyl-CoA dehydrogenase deficiency. Last evaluated: 2021-04-08. Review status: criteria provided, single submitter. Criteria: ACMG Guidelines, 2015. Collection method: clinical testing. Allele origin: germline. Not counted in ClinVar's aggregate classification.

Literature cited by the submitters: PubMed 9973285 (cited by Labcorp Genetics (formerly Invitae), Labcorp); PubMed 11590124 (cited by Labcorp Genetics (formerly Invitae), Labcorp).